The following is an entry in ClinVar:

ClinVar aggregate classification (germline): Uncertain significance (1 of 4 stars; one submission).

Conditions:
Hereditary cancer-predisposing syndrome. Also called: Tumor predisposition; Hereditary Cancer Syndrome; Neoplastic Syndromes, Hereditary; Hereditary neoplastic syndrome. Identifiers: Orphanet 140162, MedGen C0027672, MeSH D009386, MONDO:0015356.

Submission:

Ambry Genetics
Classification: Uncertain significance for Hereditary cancer-predisposing syndrome. Last evaluated: 2024-08-31. Review status: criteria provided, single submitter. Criteria: Ambry Variant Classification Scheme 2023. Collection method: clinical testing. Allele origin: germline.
Comment: The p.M2918T variant (also known as c.8753T>C), located in coding exon 59 of the ATM gene, results from a T to C substitution at nucleotide position 8753. The methionine at codon 2918 is replaced by threonine, an amino acid with similar properties. This amino acid position is conserved. In addition, this alteration is predicted to be deleterious by in silico analysis. Based on the available evidence, the clinical significance of this variant remains unclear.

NM_000051.4(ATM):c.8753T>C (p.Met2918Thr)

Genes: ATM (ATM serine/threonine kinase; plus strand), C11orf65 (chromosome 11 open reading frame 65; minus strand). Cytogenetic location: 11q22.3.
Variant type: single nucleotide variant.
Coding change: c.8753T>C on transcript NM_000051.4 (MANE Select); coding-DNA position 8753, T replaced by C.
Protein change: p.Met2918Thr; replaces methionine 2918 with threonine.
Molecular consequence: missense variant. On other transcripts: intron variant (2).
Genome position (GRCh38, 1-based): chr11:108,353,847, T>C. VCF-style: chr11-108353847-T-C. GRCh37 (hg19) VCF-style: chr11-108224574-T-C.
Other names: c.8753T>C, p.Met2918Thr (NM_001351834.2); c.640+32073A>G (NM_001330368.2); c.695-18555A>G (NM_001351110.2); short protein forms M2918T.
Identifiers: ClinVar variation 3451001 (VCV003451001.1).